The following is an entry in ClinVar:

ClinVar aggregate classification (germline): Uncertain significance. Review status: criteria provided, multiple submitters, no conflicts (2 of 4 stars). 2 submissions from 2 submitters: Uncertain significance (2). Last evaluated 2025-10-29.

gnomAD v4.1: 1 of 1,613,086 alleles (0.000062%); no homozygotes.

Submissions (2):

Ambry Genetics
Classification: Uncertain significance. Last evaluated: 2025-10-29. Review status: criteria provided, single submitter. Criteria: Ambry Variant Classification Scheme 2023. Collection method: clinical testing. Allele origin: germline.
Comment: The p.F281S variant (also known as c.842T>C), located in coding exon 6 of the RECQL gene, results from a T to C substitution at nucleotide position 842. The phenylalanine at codon 281 is replaced by serine, an amino acid with highly dissimilar properties. This amino acid position is conserved. In addition, this alteration is predicted to be deleterious by in silico analysis. Since supporting evidence is limited at this time, the clinical significance of this alteration remains unclear.

Labcorp Genetics (formerly Invitae), Labcorp
Classification: Uncertain significance. Last evaluated: 2022-03-08. Review status: criteria provided, single submitter. Criteria: Invitae Variant Classification Sherloc (09022015). Collection method: clinical testing. Allele origin: germline.
Comment: In summary, the available evidence is currently insufficient to determine the role of this variant in disease. Therefore, it has been classified as a Variant of Uncertain Significance. Algorithms developed to predict the effect of missense changes on protein structure and function (SIFT, PolyPhen-2, Align-GVGD) all suggest that this variant is likely to be disruptive. This variant has not been reported in the literature in individuals affected with RECQL-related conditions. This variant is not present in population databases (gnomAD no frequency). This sequence change replaces phenylalanine, which is neutral and non-polar, with serine, which is neutral and polar, at codon 281 of the RECQL protein (p.Phe281Ser).

NM_002907.4(RECQL):c.842T>C (p.Phe281Ser)

Gene: RECQL (RecQ like helicase; minus strand). Cytogenetic location: 12p12.1.
Variant type: single nucleotide variant.
Coding change: c.842T>C on transcript NM_002907.4 (MANE Select); coding-DNA position 842, T replaced by C.
Protein change: p.Phe281Ser; replaces phenylalanine 281 with serine.
Molecular consequence: missense variant.
Genome position (GRCh38, 1-based): chr12:21,477,828, A>G on the plus strand (T>C on the coding strand, the complement: RECQL is on the minus strand). VCF-style: chr12-21477828-A-G. GRCh37 (hg19) VCF-style: chr12-21630762-A-G.
Other names: c.842T>C, p.Phe281Ser (NM_032941.3); short protein forms F281S.
Identifiers: ClinVar variation 1443591 (VCV001443591.9), dbSNP rs2137349926, ClinGen allele CA384124069.
Genomic context (GRCh38, chr12:21,477,828, plus strand): 5'-CACAAAAGTAAGGAATTGACATAAAAATTACATACCTCATAATATAGATTTGGCCTATTA[A>G]AAGAAGCTGTAAAAGTAAAACACTTTTCAATGCACAAAATTTTCTGAGCATCCGTCAAAA-3'
Protein context (NP_002898.2, residues 271-291): IEKCFTFTAS[Phe281Ser]NRPNLYYEVR